The following is an entry in ClinVar:

ClinVar aggregate classification (germline): Uncertain significance (1 of 4 stars; one submission).

Conditions:
Charcot-Marie-Tooth disease type 2. Also called: Charcot-Marie-Tooth type 2. Identifiers: Orphanet 64746, MedGen C0270914, MONDO:0018993.

Submission:

Labcorp Genetics (formerly Invitae), Labcorp
Classification: Uncertain significance for Charcot-Marie-Tooth disease type 2. Last evaluated: 2025-09-28. Review status: criteria provided, single submitter. Criteria: Invitae Variant Classification Sherloc (09022015). Collection method: clinical testing. Allele origin: germline.
Comment: This sequence change replaces glycine, which is neutral and non-polar, with aspartic acid, which is acidic and polar, at codon 440 of the AARS protein (p.Gly440Asp). This variant is not present in population databases (gnomAD no frequency). This variant has not been reported in the literature in individuals affected with AARS-related conditions. Invitae Evidence Modeling of protein sequence and biophysical properties (such as structural, functional, and spatial information, amino acid conservation, physicochemical variation, residue mobility, and thermodynamic stability) indicates that this missense variant is not expected to disrupt AARS protein function with a negative predictive value of 95%. In summary, the available evidence is currently insufficient to determine the role of this variant in disease. Therefore, it has been classified as a Variant of Uncertain Significance.

NM_001605.3(AARS1):c.1319G>A (p.Gly440Asp)

Gene: AARS1 (alanyl-tRNA synthetase 1; minus strand). Cytogenetic location: 16q22.1.
Variant type: single nucleotide variant.
Coding change: c.1319G>A on transcript NM_001605.3 (MANE Select); coding-DNA position 1319, G replaced by A.
Protein change: p.Gly440Asp; replaces glycine 440 with aspartic acid.
Molecular consequence: missense variant.
Genome position (GRCh38, 1-based): chr16:70,265,566, C>T on the plus strand (G>A on the coding strand, the complement: AARS1 is on the minus strand). VCF-style: chr16-70265566-C-T. GRCh37 (hg19) VCF-style: chr16-70299469-C-T.
Other names: short protein forms G440D.
Identifiers: ClinVar variation 4695892 (VCV004695892.1).
Genomic context (GRCh38, chr16:70,265,566, plus strand): 5'-TGGGTTTCCTGTTCACTCTCCAAGTTCTTTACCTGGGCCAGTTTCCTCTCCTCTTCAAAG[C>T]CATCCATGTCTACCACCAGGCCCTTCTCTTCAGCAATCAGTCCAGTCAGATCCACTGGAA-3'
Protein context (NP_001596.2, residues 430-450): EEKGLVVDMD[Gly440Asp]FEEERKLAQL